The following is an entry in ClinVar:

ClinVar aggregate classification (germline): Uncertain significance (1 of 4 stars; one submission).

Conditions:
Familial thoracic aortic aneurysm and aortic dissection (TAAD). Also called: Thoracic aortic aneurysms and dissections. Identifiers: Orphanet 91387, MedGen C4707243, MONDO:0019625.

gnomAD v4.1: 2 of 1,614,144 alleles (0.00012%); highest among the groups gnomAD compares: Non-Finnish European, 0.00017%; no homozygotes.

Submission:

Ambry Genetics
Classification: Uncertain significance for Familial thoracic aortic aneurysm and aortic dissection. Last evaluated: 2024-02-12. Review status: criteria provided, single submitter. Criteria: Ambry Variant Classification Scheme 2023. Collection method: clinical testing. Allele origin: germline.
Comment: The p.R931L variant (also known as c.2792G>T), located in coding exon 15 of the MYLK gene, results from a G to T substitution at nucleotide position 2792. The arginine at codon 931 is replaced by leucine, an amino acid with dissimilar properties. This amino acid position is conserved. In addition, the in silico prediction for this alteration is inconclusive. Since supporting evidence is limited at this time, the clinical significance of this alteration remains unclear.

NM_053025.4(MYLK):c.2792G>T (p.Arg931Leu)

Gene: MYLK (myosin light chain kinase; minus strand). Cytogenetic location: 3q21.1.
Variant type: single nucleotide variant.
Coding change: c.2792G>T on transcript NM_053025.4 (MANE Select); coding-DNA position 2792, G replaced by T.
Protein change: p.Arg931Leu; replaces arginine 931 with leucine.
Molecular consequence: missense variant.
Genome position (GRCh38, 1-based): chr3:123,700,676, C>A on the plus strand (G>T on the coding strand, the complement: MYLK is on the minus strand). VCF-style: chr3-123700676-C-A. GRCh37 (hg19) VCF-style: chr3-123419523-C-A.
Other names: c.2264G>T, p.Arg755Leu (NM_001321309.2); c.2585G>T, p.Arg862Leu (NM_053026.4, NM_053028.4); c.2792G>T, p.Arg931Leu (NM_053027.4); short protein forms R862L, R755L, R931L.
Identifiers: ClinVar variation 1796068 (VCV001796068.2), dbSNP rs371418382, ClinGen allele CA069041.